The following is an entry in ClinVar:

NM_007194.4(CHEK2):c.749T>C (p.Ile250Thr)

Gene: CHEK2 (checkpoint kinase 2; minus strand). Cytogenetic location: 22q12.1.
Variant type: single nucleotide variant.
Coding change: c.749T>C on transcript NM_007194.4 (MANE Select); coding-DNA position 749, T replaced by C.
Protein change: p.Ile250Thr; replaces isoleucine 250 with threonine.
Molecular consequence: missense variant.
Genome position (GRCh38, 1-based): chr22:28,711,952, A>G on the plus strand (T>C on the coding strand, the complement: CHEK2 is on the minus strand). VCF-style: chr22-28711952-A-G. GRCh37 (hg19) VCF-style: chr22-29107940-A-G.
Other names: c.878T>C, p.Ile293Thr (NM_001005735.3); c.86T>C, p.Ile29Thr (NM_001257387.3); c.548T>C, p.Ile183Thr (NM_001349956.3); c.749T>C, p.Ile250Thr (NM_145862.3); short protein forms I250T, I29T, I183T, I293T.
Identifiers: ClinVar variation 410060 (VCV000410060.17), dbSNP rs1060502719, ClinGen allele CA16616587.

ClinVar aggregate classification (germline): Uncertain significance. Review status: criteria provided, multiple submitters, no conflicts (2 of 4 stars). 4 submissions from 4 submitters: Uncertain significance (4). Last evaluated 2025-08-06.

Conditions:
Familial cancer of breast. Also called: BREAST CANCER, FAMILIAL; Hereditary breast cancer; hereditary breast carcinoma. Identifiers: Orphanet 227535, MedGen C0346153, MONDO:0016419, OMIM 114480. Disease mechanism: loss of function.
Hereditary cancer-predisposing syndrome. Also called: Tumor predisposition; Hereditary Cancer Syndrome; Hereditary neoplastic syndrome; Neoplastic Syndromes, Hereditary. Identifiers: Orphanet 140162, MedGen C0027672, MeSH D009386, MONDO:0015356.

Allele frequency attached by ClinVar (database versions not stated): gnomAD exomes below 0.00001.

Submissions (4):

Quest Diagnostics Nichols Institute San Juan Capistrano
Classification: Uncertain significance. Last evaluated: 2025-08-06. Review status: criteria provided, single submitter. Criteria: Quest Diagnostics criteria. Collection method: clinical testing. Allele origin: unknown.
Comment: The CHEK2 c.749T>C (p.Ile250Thr) variant has not been reported in individuals with CHEK2-related conditions in the published literature. The frequency of this variant in the general population (Genome Aggregation Database) is uninformative in the assessment of its pathogenicity. Analysis of this variant using bioinformatics tools for the prediction of the effect of amino acid changes on protein structure and function yielded conflicting predictions that this variant is benign or damaging. Based on the available information, we are unable to determine the clinical significance of this variant.

Ambry Genetics
Classification: Uncertain significance for Hereditary cancer-predisposing syndrome. Last evaluated: 2024-12-02. Review status: criteria provided, single submitter. Criteria: Ambry Variant Classification Scheme 2023. Collection method: clinical testing. Allele origin: germline.
Comment: The p.I250T variant (also known as c.749T>C), located in coding exon 5 of the CHEK2 gene, results from a T to C substitution at nucleotide position 749. The isoleucine at codon 250 is replaced by threonine, an amino acid with similar properties. This amino acid position is highly conserved in available vertebrate species. In addition, the in silico prediction for this alteration is inconclusive. Based on the available evidence, the clinical significance of this variant remains unclear.

Labcorp Genetics (formerly Invitae), Labcorp
Classification: Uncertain significance for Familial cancer of breast. Last evaluated: 2024-02-23. Review status: criteria provided, single submitter. Criteria: Invitae Variant Classification Sherloc (09022015). Collection method: clinical testing. Allele origin: germline.
Comment: This sequence change replaces isoleucine, which is neutral and non-polar, with threonine, which is neutral and polar, at codon 250 of the CHEK2 protein (p.Ile250Thr). This variant is present in population databases (no rsID available, gnomAD 0.003%). This variant has not been reported in the literature in individuals affected with CHEK2-related conditions. ClinVar contains an entry for this variant (Variation ID: 410060). An algorithm developed to predict the effect of missense changes on protein structure and function (PolyPhen-2) suggests that this variant is likely to be disruptive. In summary, the available evidence is currently insufficient to determine the role of this variant in disease. Therefore, it has been classified as a Variant of Uncertain Significance.

Women's Health and Genetics/Laboratory Corporation of America, LabCorp
Classification: Uncertain significance. Last evaluated: 2022-07-17. Review status: criteria provided, single submitter. Criteria: LabCorp Variant Classification Summary - May 2015. Collection method: clinical testing. Allele origin: germline.